The following is an entry in ClinVar:

ClinVar aggregate classification (germline): Likely benign (1 of 4 stars; one submission).

Submission:

CeGaT Center for Human Genetics Tuebingen
Classification: Likely benign. Last evaluated: 2026-09-01. Review status: criteria provided, single submitter. Criteria: CeGaT Center For Human Genetics Tuebingen Variant Classification Criteria Version 2. Collection method: clinical testing. Allele origin: germline. Affected: yes. Observed: 2 variant alleles.
Comment: BRF1: BP4, BP7

NM_001519.4(BRF1):c.210T>C (p.Gly70=)

Gene: BRF1 (BRF1 general transcription factor IIIB subunit; minus strand). Cytogenetic location: 14q32.33.
Variant type: single nucleotide variant.
Coding change: c.210T>C on transcript NM_001519.4 (MANE Select); coding-DNA position 210, T replaced by C.
Protein change: p.Gly70=; no amino-acid change (glycine 70 retained).
Molecular consequence: synonymous variant. On other transcripts: 5 prime UTR variant (3), intron variant (1).
Genome position (GRCh38, 1-based): chr14:105,286,351, A>G on the plus strand (T>C on the coding strand, the complement: BRF1 is on the minus strand). VCF-style: chr14-105286351-A-G. GRCh37 (hg19) VCF-style: chr14-105752688-A-G.
Other names: c.-136T>C (NM_001242786.2, NM_001242787.2, NM_001440451.1); c.210T>C, p.Gly70= (NM_001242790.2, NM_001440449.1, NM_001440450.1); c.185-13457T>C (NM_001242788.2).
Identifiers: ClinVar variation 4533863 (VCV004533863.6).